The following is an entry in ClinVar:

ClinVar aggregate classification (germline): Likely benign (1 of 4 stars; one submission).

Allele frequency attached by ClinVar (database versions not stated): ExAC 0.00002; TOPMed 0.00002; gnomAD exomes 0.00005.

Submission:

CeGaT Center for Human Genetics Tuebingen
Classification: Likely benign. Last evaluated: 2024-06-01. Review status: criteria provided, single submitter. Criteria: CeGaT Center For Human Genetics Tuebingen Variant Classification Criteria Version 2. Collection method: clinical testing. Allele origin: germline. Affected: yes. Observed: 1 variant allele.
Comment: TOGARAM1: BP4, BP7

NM_001308120.2(TOGARAM1):c.9T>C (p.Ala3=)

Gene: TOGARAM1 (TOG array regulator of axonemal microtubules 1; plus strand). Cytogenetic location: 14q21.2.
Variant type: single nucleotide variant.
Coding change: c.9T>C on transcript NM_001308120.2 (MANE Select); coding-DNA position 9, T replaced by C.
Protein change: p.Ala3=; no amino-acid change (alanine 3 retained).
Molecular consequence: synonymous variant. On other transcripts: non-coding transcript variant (1).
Genome position (GRCh38, 1-based): chr14:44,962,430, T>C. VCF-style: chr14-44962430-T-C. GRCh37 (hg19) VCF-style: chr14-45431633-T-C.
Other names: c.9T>C, p.Ala3= (NM_015091.4).
Identifiers: ClinVar variation 3250610 (VCV003250610.18), dbSNP rs750522885.